The following is an entry in ClinVar:

NM_000368.5(TSC1):c.484_498del (p.Ser162_Leu166del)

Gene: TSC1 (TSC complex subunit 1; minus strand). Cytogenetic location: 9q34.13.
Variant type: Deletion.
Coding change: c.484_498del on transcript NM_000368.5 (MANE Select); coding-DNA positions 484 to 498, 15 bases deleted (TCATCATGGTGCCTG).
Protein change: p.Ser162_Leu166del.
Molecular consequence: inframe deletion. On other transcripts: 5 prime UTR variant (5), non-coding transcript variant (5).
Genome position (GRCh38, 1-based): chr9:132,923,358-132,923,372, CAGGCACCATGATGA deleted on the plus strand (TCATCATGGTGCCTG on the coding strand, the reverse complement: TSC1 is on the minus strand); deleting any 15 consecutive bases within chr9:132,923,358-132,923,375 gives the same sequence; the c. name uses the placement nearest the transcript's 3' end. VCF-style (leftmost placement, unchanged base first): chr9-132923357-TCAGGCACCATGATGA-T. GRCh37 (hg19) VCF-style: chr9-135798744-TCAGGCACCATGATGA-T.
Other names: c.331_345del, p.Ser111_Leu115del (NM_001406613.1, NM_001162427.2, NM_001406610.1 and 2 more transcripts); c.121_135del, p.Ser41_Leu45del (NM_001406614.1, NM_001406615.1, NM_001406616.1 and 10 more transcripts); c.-394_-380del (NM_001406626.1, NM_001406627.1, NM_001406628.1); c.-536_-522del (NM_001406629.1); c.-610_-596del (NM_001406630.1); c.484_498del, p.Ser162_Leu166del (NM_001162426.2, NM_001406592.1, NM_001406593.1 and 16 more transcripts).
Identifiers: ClinVar variation 2759293 (VCV002759293.3), dbSNP rs2539036677, ClinGen allele CA2697558123.

ClinVar aggregate classification (germline): Uncertain significance (1 of 4 stars; one submission).

Conditions:
Tuberous sclerosis 1 (TSC1). Identifiers: Orphanet 805, MedGen C1854465, MONDO:0008612, OMIM 191100.

Submission:

Labcorp Genetics (formerly Invitae), Labcorp
Classification: Uncertain significance for Tuberous sclerosis 1. Last evaluated: 2023-09-09. Review status: criteria provided, single submitter. Criteria: Invitae Variant Classification Sherloc (09022015). Collection method: clinical testing. Allele origin: germline.
Comment: In summary, the available evidence is currently insufficient to determine the role of this variant in disease. Therefore, it has been classified as a Variant of Uncertain Significance. Experimental studies and prediction algorithms are not available or were not evaluated, and the functional significance of this variant is currently unknown. This variant has not been reported in the literature in individuals affected with TSC1-related conditions. This variant is not present in population databases (gnomAD no frequency). This variant, c.484_498del, results in the deletion of 5 amino acid(s) of the TSC1 protein (p.Ser162_Leu166del), but otherwise preserves the integrity of the reading frame.